The following is an entry in ClinVar:

ClinVar aggregate classification (germline): Conflicting classifications of pathogenicity. Review status: criteria provided, conflicting classifications (1 of 4 stars). 2 submissions from 2 submitters: Uncertain significance (1); Likely benign (1). Last evaluated 2022-02-24.

Conditions:
Myopathy, centronuclear, 2 (CNM2). Also called: MYOTUBULAR MYOPATHY, AUTOSOMAL RECESSIVE. Identifiers: Orphanet 169186, MedGen CN031787, MONDO:0009709, OMIM 255200.

Submissions (2):

Labcorp Genetics (formerly Invitae), Labcorp
Classification: Uncertain significance for Myopathy, centronuclear, 2. Last evaluated: 2022-02-24. Review status: criteria provided, single submitter. Criteria: Invitae Variant Classification Sherloc (09022015). Collection method: clinical testing. Allele origin: germline.
Comment: In summary, the available evidence is currently insufficient to determine the role of this variant in disease. Therefore, it has been classified as a Variant of Uncertain Significance. Algorithms developed to predict the effect of missense changes on protein structure and function are either unavailable or do not agree on the potential impact of this missense change (SIFT: "Deleterious"; PolyPhen-2: "Probably Damaging"; Align-GVGD: "Class C0"). This variant has not been reported in the literature in individuals affected with BIN1-related conditions. This variant is not present in population databases (gnomAD no frequency). This sequence change replaces proline, which is neutral and non-polar, with arginine, which is basic and polar, at codon 375 of the BIN1 protein (p.Pro375Arg).

CeGaT Center for Human Genetics Tuebingen
Classification: Likely benign. Last evaluated: 2021-11-01. Review status: criteria provided, single submitter. Criteria: CeGaT Center For Human Genetics Tuebingen Variant Classification Criteria Version 2. Collection method: clinical testing. Allele origin: germline. Affected: yes. Observed: 1 variant allele.

NM_139343.3(BIN1):c.1124C>G (p.Pro375Arg)

Gene: BIN1 (bridging integrator 1; minus strand). Cytogenetic location: 2q14.3.
Variant type: single nucleotide variant.
Coding change: c.1124C>G on transcript NM_139343.3 (MANE Select); coding-DNA position 1124, C replaced by G.
Protein change: p.Pro375Arg; replaces proline 375 with arginine.
Molecular consequence: missense variant. On other transcripts: intron variant (9).
Genome position (GRCh38, 1-based): chr2:127,057,480, G>C on the plus strand (C>G on the coding strand, the complement: BIN1 is on the minus strand). VCF-style: chr2-127057480-G-C. GRCh37 (hg19) VCF-style: chr2-127815056-G-C.
Other names: c.1124C>G, p.Pro375Arg (NM_001320640.2); c.1031C>G, p.Pro344Arg (NM_001320641.2, NM_139347.3, NM_139348.3); c.1043C>G, p.Pro348Arg (NM_001320642.1); c.1076C>G, p.Pro359Arg (NM_139346.3); c.837+1531C>G (NM_001320634.1); c.909+1531C>G (NM_139351.3, NM_139350.3, NM_139349.3); c.954+1531C>G (NM_001320632.2, NM_004305.4); c.1002+1531C>G (NM_001320633.2, NM_139345.3, NM_139344.3); short protein forms P344R, P348R, P359R, P375R.
Identifiers: ClinVar variation 1335398 (VCV001335398.41), dbSNP rs2104935838, ClinGen allele CA348378368.